The following is an entry in ClinVar:

ClinVar aggregate classification (germline): Uncertain significance. Review status: criteria provided, multiple submitters, no conflicts (2 of 4 stars). 3 submissions from 3 submitters: Uncertain significance (3). Last evaluated 2024-12-25.

Conditions:
Inborn genetic diseases. Identifiers: MedGen C0950123, MeSH D030342.

Allele frequency attached by ClinVar (database versions not stated): gnomAD exomes 0.00002 and 0.00004; ExAC 0.00003; gnomAD 0.00009 and 0.00011; TOPMed 0.00015.
gnomAD v4.1: 42 of 1,614,066 alleles (0.0026%); highest among the groups gnomAD compares: African/African-American, 0.045%; no homozygotes.

Submissions (3):

Ambry Genetics
Classification: Uncertain significance for Inborn genetic diseases. Last evaluated: 2024-12-25. Review status: criteria provided, single submitter. Criteria: Ambry Variant Classification Scheme 2023. Collection method: clinical testing. Allele origin: germline.

Labcorp Genetics (formerly Invitae), Labcorp
Classification: Uncertain significance. Last evaluated: 2022-06-28. Review status: criteria provided, single submitter. Criteria: Invitae Variant Classification Sherloc (09022015). Collection method: clinical testing. Allele origin: germline.
Comment: This sequence change replaces aspartic acid, which is acidic and polar, with glycine, which is neutral and non-polar, at codon 1174 of the MYO5B protein (p.Asp1174Gly). This variant is present in population databases (rs767088378, gnomAD 0.03%). This variant has not been reported in the literature in individuals affected with MYO5B-related conditions. Algorithms developed to predict the effect of missense changes on protein structure and function are either unavailable or do not agree on the potential impact of this missense change (SIFT: "Deleterious"; PolyPhen-2: "Benign"; Align-GVGD: "Class C0"). In summary, the available evidence is currently insufficient to determine the role of this variant in disease. Therefore, it has been classified as a Variant of Uncertain Significance.

Revvity Omics, Revvity
Classification: Uncertain significance. Last evaluated: 2021-09-15. Review status: criteria provided, single submitter. Criteria: ACMG Guidelines, 2015. Collection method: clinical testing. Allele origin: germline.

NM_001080467.3(MYO5B):c.3521A>G (p.Asp1174Gly)

Gene: MYO5B (myosin VB; minus strand). Cytogenetic location: 18q21.1.
Variant type: single nucleotide variant.
Coding change: c.3521A>G on transcript NM_001080467.3 (MANE Select); coding-DNA position 3521, A replaced by G.
Protein change: p.Asp1174Gly; replaces aspartic acid 1174 with glycine.
Molecular consequence: missense variant.
Genome position (GRCh38, 1-based): chr18:49,875,703, T>C on the plus strand (A>G on the coding strand, the complement: MYO5B is on the minus strand). VCF-style: chr18-49875703-T-C. GRCh37 (hg19) VCF-style: chr18-47402073-T-C.
Other names: c.3521A>G (NM_001080467.2); short protein forms D1174G.
Identifiers: ClinVar variation 1491315 (VCV001491315.9), dbSNP rs767088378, ClinGen allele CA8960701.
Genomic context (GRCh38, chr18:49,875,703, plus strand): 5'-CTCTCATCCAAGCACCATAAGAGCACTGCAGCCCCTTCACGTACCTGGACTTTCTTGCTG[T>C]CCTGCTGTTCTCTCTTCTCCAGCTGCACTTGCAGCTTTTTCCTCTCCTGCTCCAGCTCCC-3'
Protein context (NP_001073936.1, residues 1164-1184): QVQLEKREQQ[Asp1174Gly]SKKVQAEPPQ